The following is an entry in ClinVar:

NM_000717.5(CA4):c.796A>C (p.Met266Leu)

Gene: CA4 (carbonic anhydrase 4; plus strand). Cytogenetic location: 17q23.1.
Variant type: single nucleotide variant.
Coding change: c.796A>C on transcript NM_000717.5 (MANE Select); coding-DNA position 796, A replaced by C.
Protein change: p.Met266Leu; replaces methionine 266 with leucine.
Molecular consequence: missense variant. On other transcripts: non-coding transcript variant (1).
Genome position (GRCh38, 1-based): chr17:60,159,281, A>C. VCF-style: chr17-60159281-A-C. GRCh37 (hg19) VCF-style: chr17-58236642-A-C.
Other names: short protein forms M266L.
Identifiers: ClinVar variation 3637434 (VCV003637434.2).

ClinVar aggregate classification (germline): Uncertain significance (1 of 4 stars; one submission).

gnomAD v4.1: 2 of 1,610,268 alleles (0.00012%); highest among the groups gnomAD compares: South Asian, 0.0011%; no homozygotes.

Submission:

Labcorp Genetics (formerly Invitae), Labcorp
Classification: Uncertain significance. Last evaluated: 2024-02-05. Review status: criteria provided, single submitter. Criteria: Invitae Variant Classification Sherloc (09022015). Collection method: clinical testing. Allele origin: germline.
Comment: This sequence change replaces methionine, which is neutral and non-polar, with leucine, which is neutral and non-polar, at codon 266 of the CA4 protein (p.Met266Leu). This variant is present in population databases (no rsID available, gnomAD 0.003%). This variant has not been reported in the literature in individuals affected with CA4-related conditions. An algorithm developed to predict the effect of missense changes on protein structure and function (PolyPhen-2) suggests that this variant is likely to be tolerated. In summary, the available evidence is currently insufficient to determine the role of this variant in disease. Therefore, it has been classified as a Variant of Uncertain Significance.